The following is an entry in ClinVar:

NM_006231.4(POLE):c.1614C>G (p.Thr538=)

Gene: POLE (DNA polymerase epsilon, catalytic subunit; minus strand). Cytogenetic location: 12q24.33.
Variant type: single nucleotide variant.
Coding change: c.1614C>G on transcript NM_006231.4 (MANE Select); coding-DNA position 1614, C replaced by G.
Protein change: p.Thr538=; no amino-acid change (threonine 538 retained).
Molecular consequence: synonymous variant.
Genome position (GRCh38, 1-based): chr12:132,672,699, G>C on the plus strand (C>G on the coding strand, the complement: POLE is on the minus strand). VCF-style: chr12-132672699-G-C. GRCh37 (hg19) VCF-style: chr12-133249285-G-C.
Identifiers: ClinVar variation 662759 (VCV000662759.10), dbSNP rs1060504052, ClinGen allele CA482849691.

ClinVar aggregate classification (germline): Uncertain significance (1 of 4 stars; one submission).

Submission:

Labcorp Genetics (formerly Invitae), Labcorp
Classification: Uncertain significance. Last evaluated: 2019-08-14. Review status: criteria provided, single submitter. Criteria: Invitae Variant Classification Sherloc (09022015). Collection method: clinical testing. Allele origin: germline.
Comment: Algorithms developed to predict the effect of sequence changes on RNA splicing suggest that this variant may create or strengthen a splice site, but this prediction has not been confirmed by published transcriptional studies. This sequence change affects codon 538 of the POLE mRNA. It is a 'silent' change, meaning that it does not change the encoded amino acid sequence of the POLE protein. This variant is not present in population databases (ExAC no frequency). This variant has not been reported in the literature in individuals with POLE-related conditions. In summary, the available evidence is currently insufficient to determine the role of this variant in disease. Therefore, it has been classified as a Variant of Uncertain Significance.